The following is an entry in ClinVar:

NM_052867.4(NALCN):c.2839A>G (p.Thr947Ala)

Gene: NALCN (sodium leak channel, non-selective; minus strand). Cytogenetic location: 13q33.1.
Variant type: single nucleotide variant.
Coding change: c.2839A>G on transcript NM_052867.4 (MANE Select); coding-DNA position 2839, A replaced by G.
Protein change: p.Thr947Ala; replaces threonine 947 with alanine.
Molecular consequence: missense variant.
Genome position (GRCh38, 1-based): chr13:101,104,345, T>C on the plus strand (A>G on the coding strand, the complement: NALCN is on the minus strand). VCF-style: chr13-101104345-T-C. GRCh37 (hg19) VCF-style: chr13-101756696-T-C.
Other names: c.2926A>G, p.Thr976Ala (NM_001350748.2); c.2839A>G, p.Thr947Ala (NM_001350749.2); c.2752A>G, p.Thr918Ala (NM_001350750.2, NM_001350751.2); short protein forms T918A, T947A, T976A.
Identifiers: ClinVar variation 1713863 (VCV001713863.5), dbSNP rs373859316, ClinGen allele CA388669594.

ClinVar aggregate classification (germline): Uncertain significance (1 of 4 stars; one submission).

Allele frequency attached by ClinVar (database versions not stated): gnomAD 0.00001; TOPMed 0.00001.
gnomAD v4.1: 5 of 1,613,702 alleles (0.00031%); highest among the groups gnomAD compares: Non-Finnish European, 0.00042%; no homozygotes.

Submission:

Labcorp Genetics (formerly Invitae), Labcorp
Classification: Uncertain significance. Last evaluated: 2022-10-26. Review status: criteria provided, single submitter. Criteria: Invitae Variant Classification Sherloc (09022015). Collection method: clinical testing. Allele origin: germline.
Comment: In summary, the available evidence is currently insufficient to determine the role of this variant in disease. Therefore, it has been classified as a Variant of Uncertain Significance. Advanced modeling of protein sequence and biophysical properties (such as structural, functional, and spatial information, amino acid conservation, physicochemical variation, residue mobility, and thermodynamic stability) performed at Invitae indicates that this missense variant is not expected to disrupt NALCN protein function. This variant has not been reported in the literature in individuals affected with NALCN-related conditions. This variant is not present in population databases (gnomAD no frequency). This sequence change replaces threonine, which is neutral and polar, with alanine, which is neutral and non-polar, at codon 947 of the NALCN protein (p.Thr947Ala).